The following is an entry in ClinVar:

ClinVar aggregate classification (germline): Uncertain significance. Review status: criteria provided, multiple submitters, no conflicts (2 of 4 stars). 3 submissions from 3 submitters: Uncertain significance (3). Last evaluated 2024-04-29.

Conditions:
Hypopigmentation-punctate palmoplantar keratoderma syndrome. Also called: GUTTATE HYPOPIGMENTATION AND PUNCTATE PALMOPLANTAR KERATODERMA WITH OR WITHOUT ECTOPIC CALCIFICATION; Cole disease. Identifiers: Orphanet 324561, MedGen C3809781, MONDO:0014227, OMIM 615522.
Hypophosphatemic rickets, autosomal recessive, 2 (ARHR2). Identifiers: Orphanet 289176, MedGen C2750078, MONDO:0013219, OMIM 613312.
Inherited obesity. Also called: Monogenic Obesity. Identifiers: Orphanet 77828, MedGen C4054476, MONDO:0019182, OMIM 601665.
Arterial calcification, generalized, of infancy, 1 (GACI1). Also called: Idiopathic Infantile Arterial Calcification. Identifiers: Orphanet 51608, MedGen C4551985, MONDO:0008817, OMIM 208000.
Type 2 diabetes mellitus. Also called: Type II diabetes mellitus. Identifiers: MedGen C0011860, MeSH D003924, MONDO:0005148, OMIM 125853, HP:0005978.
Inborn genetic diseases. Identifiers: MedGen C0950123, MeSH D030342.

Allele frequency attached by ClinVar (database versions not stated): ExAC 0.00002.
gnomAD v4.1: 4 of 1,613,112 alleles (0.00025%); highest among the groups gnomAD compares: East Asian, 0.0067%; no homozygotes.

Submissions (3):

Fulgent Genetics
Classification: Uncertain significance for Type 2 diabetes mellitus; Arterial calcification, generalized, of infancy, 1; Inherited obesity; Hypophosphatemic rickets, autosomal recessive, 2; Hypopigmentation-punctate palmoplantar keratoderma syndrome. Last evaluated: 2024-04-29. Review status: criteria provided, single submitter. Criteria: ACMG Guidelines, 2015. Collection method: clinical testing. Allele origin: germline.

Ambry Genetics
Classification: Uncertain significance for Inborn genetic diseases. Last evaluated: 2024-03-29. Review status: criteria provided, single submitter. Criteria: Ambry Variant Classification Scheme 2023. Collection method: clinical testing. Allele origin: germline.

Labcorp Genetics (formerly Invitae), Labcorp
Classification: Uncertain significance. Last evaluated: 2022-03-26. Review status: criteria provided, single submitter. Criteria: Invitae Variant Classification Sherloc (09022015). Collection method: clinical testing. Allele origin: germline.
Comment: This variant has not been reported in the literature in individuals affected with ENPP1-related conditions. In summary, the available evidence is currently insufficient to determine the role of this variant in disease. Therefore, it has been classified as a Variant of Uncertain Significance. Algorithms developed to predict the effect of missense changes on protein structure and function output the following: SIFT: "Deleterious"; PolyPhen-2: "Benign"; Align-GVGD: "Class C0". The phenylalanine amino acid residue is found in multiple mammalian species, which suggests that this missense change does not adversely affect protein function. This variant is present in population databases (rs767598458, gnomAD 0.02%). This sequence change replaces isoleucine, which is neutral and non-polar, with phenylalanine, which is neutral and non-polar, at codon 450 of the ENPP1 protein (p.Ile450Phe).

NM_006208.3(ENPP1):c.1348A>T (p.Ile450Phe)

Gene: ENPP1 (ectonucleotide pyrophosphatase/phosphodiesterase 1; plus strand). Cytogenetic location: 6q23.2.
Variant type: single nucleotide variant.
Coding change: c.1348A>T on transcript NM_006208.3 (MANE Select); coding-DNA position 1348, A replaced by T.
Protein change: p.Ile450Phe; replaces isoleucine 450 with phenylalanine.
Molecular consequence: missense variant.
Genome position (GRCh38, 1-based): chr6:131,869,432, A>T. VCF-style: chr6-131869432-A-T. GRCh37 (hg19) VCF-style: chr6-132190572-A-T.
Other names: c.1348A>T (NM_006208.2); short protein forms I450F.
Identifiers: ClinVar variation 1961252 (VCV001961252.7), dbSNP rs767598458, ClinGen allele CA4002173.